The following is an entry in ClinVar:

NM_001365951.3(KIF1B):c.2696G>A (p.Cys899Tyr)

Genes: KIF1B (kinesin family member 1B; plus strand), LOC126805614 (BRD4-independent group 4 enhancer GRCh37_chr1:10385546-10386745; plus strand). Cytogenetic location: 1p36.22.
Variant type: single nucleotide variant.
Coding change: c.2696G>A on transcript NM_001365951.3 (MANE Select); coding-DNA position 2696, G replaced by A.
Protein change: p.Cys899Tyr; replaces cysteine 899 with tyrosine.
Molecular consequence: missense variant.
Genome position (GRCh38, 1-based): chr1:10,326,131, G>A. VCF-style: chr1-10326131-G-A. GRCh37 (hg19) VCF-style: chr1-10386189-G-A.
Other names: c.2696G>A, p.Cys899Tyr (NM_001365952.1); c.2558G>A, p.Cys853Tyr (NM_015074.3); short protein forms C853Y, C899Y.
Identifiers: ClinVar variation 2563587 (VCV002563587.5), dbSNP rs1188099847, ClinGen allele CA338336816.
Genomic context (GRCh38, chr1:10,326,131, plus strand): 5'-CTCCCTGGCTGTGTTAATTGGCGTCTTACCTGGTGTCTAGCTCCCCCATTTTCCACGGCT[G>A]TGTGAACGAGCGCCTTGCCGACCGCACACCCTCCCCCACTTTTTCCACGGCCGATTCCGA-3'
Protein context (NP_001352880.1, residues 889-909): LVGSSPIFHG[Cys899Tyr]VNERLADRTP

ClinVar aggregate classification (germline): Conflicting classifications of pathogenicity. Review status: criteria provided, conflicting classifications (1 of 4 stars). 2 submissions from 2 submitters: Uncertain significance (1); Likely benign (1). Last evaluated 2023-12-16.

Conditions:
Charcot-Marie-Tooth disease type 2. Also called: Charcot-Marie-Tooth type 2. Identifiers: Orphanet 64746, MedGen C0270914, MONDO:0018993.

Allele frequency attached by ClinVar (database versions not stated): gnomAD 0.00007; TOPMed 0.00017.
gnomAD v4.1: 15 of 1,613,990 alleles (0.00093%); highest among the groups gnomAD compares: Admixed American, 0.025%; no homozygotes.

Submissions (2):

Labcorp Genetics (formerly Invitae), Labcorp
Classification: Uncertain significance for Charcot-Marie-Tooth disease type 2. Last evaluated: 2023-12-16. Review status: criteria provided, single submitter. Criteria: Invitae Variant Classification Sherloc (09022015). Collection method: clinical testing. Allele origin: germline.
Comment: This sequence change replaces cysteine, which is neutral and slightly polar, with tyrosine, which is neutral and polar, at codon 853 of the KIF1B protein (p.Cys853Tyr). This variant is present in population databases (no rsID available, gnomAD 0.01%). This variant has not been reported in the literature in individuals affected with KIF1B-related conditions. ClinVar contains an entry for this variant (Variation ID: 2563587). An algorithm developed to predict the effect of missense changes on protein structure and function (PolyPhen-2) suggests that this variant is likely to be disruptive. In summary, the available evidence is currently insufficient to determine the role of this variant in disease. Therefore, it has been classified as a Variant of Uncertain Significance.

Ambry Genetics
Classification: Likely benign. Last evaluated: 2023-03-29. Review status: criteria provided, single submitter. Criteria: Ambry Variant Classification Scheme 2023. Collection method: clinical testing. Allele origin: germline.